The following is an entry in ClinVar:

NM_005445.4(SMC3):c.386G>T (p.Gly129Val)

Gene: SMC3 (structural maintenance of chromosomes 3; plus strand). Cytogenetic location: 10q25.2.
Variant type: single nucleotide variant.
Coding change: c.386G>T on transcript NM_005445.4 (MANE Select); coding-DNA position 386, G replaced by T.
Protein change: p.Gly129Val; replaces glycine 129 with valine.
Molecular consequence: missense variant.
Genome position (GRCh38, 1-based): chr10:110,578,663, G>T. VCF-style: chr10-110578663-G-T. GRCh37 (hg19) VCF-style: chr10-112338421-G-T.
Other names: short protein forms G129V.
Identifiers: ClinVar variation 1721143 (VCV001721143.6), dbSNP rs2493107856, ClinGen allele CA378373872.

ClinVar aggregate classification (germline): Uncertain significance (1 of 4 stars; one submission).

Conditions:
Cornelia de Lange syndrome 3 (CDLS3). Also called: SMC3-Related Cornelia de Lange Syndrome; CORNELIA DE LANGE SYNDROME 3 WITH OR WITHOUT MIDLINE BRAIN DEFECTS. Identifiers: Orphanet 199, MedGen C1853099, MONDO:0012555, OMIM 610759.

Submission:

Labcorp Genetics (formerly Invitae), Labcorp
Classification: Uncertain significance for Cornelia de Lange syndrome 3. Last evaluated: 2023-01-31. Review status: criteria provided, single submitter. Criteria: Invitae Variant Classification Sherloc (09022015). Collection method: clinical testing. Allele origin: germline.
Comment: Advanced modeling of protein sequence and biophysical properties (such as structural, functional, and spatial information, amino acid conservation, physicochemical variation, residue mobility, and thermodynamic stability) performed at Invitae indicates that this missense variant is expected to disrupt SMC3 protein function. This sequence change replaces glycine, which is neutral and non-polar, with valine, which is neutral and non-polar, at codon 129 of the SMC3 protein (p.Gly129Val). This variant is not present in population databases (gnomAD no frequency). This variant has not been reported in the literature in individuals affected with SMC3-related conditions. ClinVar contains an entry for this variant (Variation ID: 1721143). In summary, the available evidence is currently insufficient to determine the role of this variant in disease. Therefore, it has been classified as a Variant of Uncertain Significance.